The following is an entry in ClinVar:

ClinVar aggregate classification (germline): Pathogenic (1 of 4 stars; one submission).

Submission:

Labcorp Genetics (formerly Invitae), Labcorp
Classification: Pathogenic. Last evaluated: 2022-05-06. Review status: criteria provided, single submitter. Criteria: Invitae Variant Classification Sherloc (09022015). Collection method: clinical testing. Allele origin: germline.
Comment: This variant has not been reported in the literature in individuals affected with AHDC1-related conditions. This variant is not present in population databases (gnomAD no frequency). This sequence change creates a premature translational stop signal (p.Trp1108*) in the AHDC1 gene. It is expected to result in an absent or disrupted protein product. Loss-of-function variants in AHDC1 are known to be pathogenic (PMID: 24791903, 27148574). For these reasons, this variant has been classified as Pathogenic.

Literature cited by the submitters: PubMed 24791903; PubMed 27148574.

NM_001371928.1(AHDC1):c.3323G>A (p.Trp1108Ter)

Gene: AHDC1 (AT-hook DNA binding motif containing 1; minus strand). Cytogenetic location: 1p36.11.
Variant type: single nucleotide variant.
Coding change: c.3323G>A on transcript NM_001371928.1 (MANE Select); coding-DNA position 3323, G replaced by A.
Protein change: p.Trp1108Ter; replaces tryptophan 1108 with a stop codon.
Molecular consequence: nonsense.
Genome position (GRCh38, 1-based): chr1:27,548,793, C>T on the plus strand (G>A on the coding strand, the complement: AHDC1 is on the minus strand). VCF-style: chr1-27548793-C-T. GRCh37 (hg19) VCF-style: chr1-27875304-C-T.
Other names: c.3323G>A, p.Trp1108Ter (NM_001029882.3); short protein forms W1108*.
Identifiers: ClinVar variation 2134761 (VCV002134761.4), dbSNP rs2521875077, ClinGen allele CA339227389.